The following is an entry in ClinVar:

ClinVar aggregate classification (germline): Likely benign (1 of 4 stars; one submission).

gnomAD v4.1: 2 of 1,605,164 alleles (0.00012%); highest among the groups gnomAD compares: Non-Finnish European, 0.00017%; no homozygotes.

Submission:

CeGaT Center for Human Genetics Tuebingen
Classification: Likely benign. Last evaluated: 2024-10-01. Review status: criteria provided, single submitter. Criteria: CeGaT Center For Human Genetics Tuebingen Variant Classification Criteria Version 2. Collection method: clinical testing. Allele origin: germline. Affected: yes. Observed: 1 variant allele.
Comment: OR10G4: BP4, BP7

NM_001004462.2(OR10G4):c.69C>A (p.Ala23=)

Gene: OR10G4 (olfactory receptor family 10 subfamily G member 4; plus strand). Cytogenetic location: 11q24.2.
Variant type: single nucleotide variant.
Coding change: c.69C>A on transcript NM_001004462.2 (MANE Select); coding-DNA position 69, C replaced by A.
Protein change: p.Ala23=; no amino-acid change (alanine 23 retained).
Molecular consequence: synonymous variant.
Genome position (GRCh38, 1-based): chr11:124,015,643, C>A. VCF-style: chr11-124015643-C-A. GRCh37 (hg19) VCF-style: chr11-123886350-C-A.
Identifiers: ClinVar variation 3389472 (VCV003389472.14).